The following is an entry in ClinVar:

ClinVar aggregate classification (germline): Uncertain significance. Review status: criteria provided, multiple submitters, no conflicts (2 of 4 stars). 4 submissions from 4 submitters: Uncertain significance (4). Last evaluated 2024-05-02.

Conditions:
Autoinflammatory syndrome. Identifiers: Orphanet 93665, MedGen C3890737, MONDO:0019751.
Inborn genetic diseases. Identifiers: MedGen C0950123, MeSH D030342.
Chédiak-Higashi syndrome (CHS). Also called: Chediak-Higashi Syndrome. Identifiers: Orphanet 167, MedGen C0007965, MONDO:0008963, OMIM 214500.

Allele frequency attached by ClinVar (database versions not stated): gnomAD exomes 0.00001 and 0.00004; ExAC 0.00007; gnomAD 0.00019 and 0.00021; TOPMed 0.00020; 1000 Genomes Project 30x 0.00031; ESP Exome Variant Server 0.00038; 1000 Genomes Project 0.00040.
gnomAD v4.1: 43 of 1,613,976 alleles (0.0027%); highest among the groups gnomAD compares: African/African-American, 0.055%; no homozygotes.

Submissions (4):

Ambry Genetics
Classification: Uncertain significance for Inborn genetic diseases. Last evaluated: 2024-05-02. Review status: criteria provided, single submitter. Criteria: Ambry Variant Classification Scheme 2023. Collection method: clinical testing. Allele origin: germline.

Labcorp Genetics (formerly Invitae), Labcorp
Classification: Uncertain significance for Chédiak-Higashi syndrome. Last evaluated: 2022-07-24. Review status: criteria provided, single submitter. Criteria: Invitae Variant Classification Sherloc (09022015). Collection method: clinical testing. Allele origin: germline.
Comment: This sequence change replaces histidine, which is basic and polar, with tyrosine, which is neutral and polar, at codon 333 of the LYST protein (p.His333Tyr). This variant is present in population databases (rs140821981, gnomAD 0.05%). This variant has not been reported in the literature in individuals affected with LYST-related conditions. ClinVar contains an entry for this variant (Variation ID: 1490741). Algorithms developed to predict the effect of missense changes on protein structure and function are either unavailable or do not agree on the potential impact of this missense change (SIFT: "Tolerated"; PolyPhen-2: "Probably Damaging"; Align-GVGD: "Class C0"). In summary, the available evidence is currently insufficient to determine the role of this variant in disease. Therefore, it has been classified as a Variant of Uncertain Significance.

Genome Diagnostics Laboratory, The Hospital for Sick Children
Classification: Uncertain significance for Autoinflammatory syndrome. Last evaluated: 2020-05-01. Review status: criteria provided, single submitter. Criteria: ACMG Guidelines, 2015. Collection method: clinical testing. Allele origin: germline. Affected: yes.

Revvity Omics, Revvity
Classification: Uncertain significance for Chédiak-Higashi syndrome. Last evaluated: 2019-06-14. Review status: criteria provided, single submitter. Criteria: ACMG Guidelines, 2015. Collection method: clinical testing. Allele origin: germline.

NM_000081.4(LYST):c.997C>T (p.His333Tyr)

Gene: LYST (lysosomal trafficking regulator; minus strand). Cytogenetic location: 1q42.3.
Variant type: single nucleotide variant.
Coding change: c.997C>T on transcript NM_000081.4 (MANE Select); coding-DNA position 997, C replaced by T.
Protein change: p.His333Tyr; replaces histidine 333 with tyrosine.
Molecular consequence: missense variant.
Genome position (GRCh38, 1-based): chr1:235,809,821, G>A on the plus strand (C>T on the coding strand, the complement: LYST is on the minus strand). VCF-style: chr1-235809821-G-A. GRCh37 (hg19) VCF-style: chr1-235973121-G-A.
Other names: c.997C>T (NM_000081.2); c.997C>T, p.His333Tyr (NM_001301365.1); short protein forms H333Y.
Identifiers: ClinVar variation 1490741 (VCV001490741.12), dbSNP rs140821981, ClinGen allele CA1467530.